The following is an entry in ClinVar:

NM_020821.3(VPS13C):c.4506C>T (p.Asp1502=)

Gene: VPS13C (vacuolar protein sorting 13 homolog C; minus strand). Cytogenetic location: 15q22.2.
Variant type: single nucleotide variant.
Coding change: c.4506C>T on transcript NM_020821.3 (MANE Select); coding-DNA position 4506, C replaced by T.
Protein change: p.Asp1502=; no amino-acid change (aspartic acid 1502 retained).
Molecular consequence: synonymous variant.
Genome position (GRCh38, 1-based): chr15:61,950,975, G>A on the plus strand (C>T on the coding strand, the complement: VPS13C is on the minus strand). VCF-style: chr15-61950975-G-A. GRCh37 (hg19) VCF-style: chr15-62243174-G-A.
Other names: c.4506C>T (NM_020821.2); c.4506C>T, p.Asp1502= (NM_001018088.3); c.4377C>T, p.Asp1459= (NM_017684.5, NM_018080.4).
Identifiers: ClinVar variation 2047146 (VCV002047146.14), dbSNP rs141116283, ClinGen allele CA7596078.

ClinVar aggregate classification (germline): Benign/Likely benign. Review status: criteria provided, multiple submitters, no conflicts (2 of 4 stars). 4 submissions from 4 submitters: Benign (1); Likely benign (3). Last evaluated 2025-08-01.

Conditions:
Inborn genetic diseases. Identifiers: MedGen C0950123, MeSH D030342.

Allele frequency attached by ClinVar (database versions not stated): ExAC 0.00029; 1000 Genomes Project 30x 0.00062; 1000 Genomes Project 0.00080; gnomAD 0.00093; TOPMed 0.00104; ESP Exome Variant Server 0.00131.
gnomAD v4.1: 404 of 1,603,280 alleles (0.025%); highest among the groups gnomAD compares: African/African-American, 0.32%; no homozygotes.

Submissions (4):

CeGaT Center for Human Genetics Tuebingen
Classification: Likely benign. Last evaluated: 2025-08-01. Review status: criteria provided, single submitter. Criteria: CeGaT Center For Human Genetics Tuebingen Variant Classification Criteria Version 2. Collection method: clinical testing. Allele origin: germline. Affected: yes. Observed: 1 variant allele.
Comment: VPS13C: BP4, BP7

Blueprint Genetics
Classification: Likely benign. Last evaluated: 2024-11-25. Review status: criteria provided, single submitter. Criteria: ACMG Guidelines, 2015. Collection method: clinical testing. Allele origin: germline.

Labcorp Genetics (formerly Invitae), Labcorp
Classification: Benign. Last evaluated: 2024-04-25. Review status: criteria provided, single submitter. Criteria: Invitae Variant Classification Sherloc (09022015). Collection method: clinical testing. Allele origin: germline.

Ambry Genetics
Classification: Likely benign for Inborn genetic diseases. Last evaluated: 2023-11-28. Review status: criteria provided, single submitter. Criteria: Ambry Variant Classification Scheme 2023. Collection method: clinical testing. Allele origin: germline.